The following is an entry in ClinVar:

NM_000051.4(ATM):c.8730C>G (p.Leu2910=)

Genes: ATM (ATM serine/threonine kinase; plus strand), C11orf65 (chromosome 11 open reading frame 65; minus strand). Cytogenetic location: 11q22.3.
Variant type: single nucleotide variant.
Coding change: c.8730C>G on transcript NM_000051.4 (MANE Select); coding-DNA position 8730, C replaced by G.
Protein change: p.Leu2910=; no amino-acid change (leucine 2910 retained).
Molecular consequence: synonymous variant. On other transcripts: intron variant (2).
Genome position (GRCh38, 1-based): chr11:108,353,824, C>G. VCF-style: chr11-108353824-C-G. GRCh37 (hg19) VCF-style: chr11-108224551-C-G.
Other names: NP_000042.3:p.Leu2910=; c.8730C>G, p.Leu2910= (NM_001351834.2); c.640+32096G>C (NM_001330368.2); c.695-18532G>C (NM_001351110.2).
Identifiers: ClinVar variation 135785 (VCV000135785.37), dbSNP rs551041839, ClinGen allele CA190390.
Genomic context (GRCh38, chr11:108,353,824, plus strand): 5'-AGGTGTTGCTTTTGAACAGGGCAAAATCCTTCCTACTCCTGAGACAGTTCCTTTTAGACT[C>G]ACCAGAGATATTGTGGATGGCATGGGCATTACGGGTGTTGAAGGTGTCTTCAGAAGGTAA-3'
Protein context (NP_000042.3, residues 2900-2920): LPTPETVPFR[Leu2910=]TRDIVDGMGI

ClinVar aggregate classification (germline): Benign/Likely benign. Review status: criteria provided, multiple submitters, no conflicts (2 of 4 stars). 19 submissions from 19 submitters: Benign (7); Likely benign (7). 5 of the submissions do not count toward it. Last evaluated 2026-01-24.

Conditions:
Breast and/or ovarian cancer. Identifiers: MedGen CN221562.
Hereditary cancer-predisposing syndrome. Also called: Neoplastic Syndromes, Hereditary; Hereditary Cancer Syndrome; Tumor predisposition; Hereditary neoplastic syndrome. Identifiers: Orphanet 140162, MedGen C0027672, MeSH D009386, MONDO:0015356.
Hereditary breast ovarian cancer syndrome. Also called: BRCA1- and BRCA2-Associated Hereditary Breast and Ovarian Cancer; Hereditary breast and ovarian cancer syndrome; Hereditary breast and ovarian cancer syndrome (HBOC); Hereditary breast and/or ovarian cancer syndrome; Hereditary breast and ovarian cancer; Breast and ovarian cancer. Identifiers: Orphanet 145, MedGen C0677776, MeSH D061325, MONDO:0003582. Disease mechanism: loss of function.
Familial cancer of breast. Also called: BREAST CANCER, FAMILIAL; hereditary breast carcinoma; Hereditary breast cancer. Identifiers: Orphanet 227535, MedGen C0346153, MONDO:0016419, OMIM 114480. Disease mechanism: loss of function.
Malignant tumor of breast. Also called: Malignant breast neoplasm; Cancer breast. Identifiers: MedGen C0006142, MONDO:0007254. Disease mechanism: loss of function.
Ataxia-telangiectasia syndrome (AT). Also called: Ataxia-telangiectasia, complementation group D; AT, COMPLEMENTATION GROUP C; Ataxia-telangiectasia; ATAXIA-TELANGIECTASIA, COMPLEMENTATION GROUP A; ATAXIA-TELANGIECTASIA, FRESNO VARIANT; Ataxia-telangiectasia, complementation group E. Identifiers: Orphanet 100, MedGen C0004135, MONDO:0008840, OMIM 208900.

Allele frequency attached by ClinVar (database versions not stated): 1000 Genomes Project 0.00120; gnomAD 0.00001 and 0.00018; TOPMed 0.00004; ExAC 0.00076; 1000 Genomes Project 30x 0.00172; gnomAD exomes 0.00035 and 0.00061.
gnomAD v4.1: 520 of 1,614,054 alleles (0.032%); highest among the groups gnomAD compares: South Asian, 0.56%; 2 homozygotes.

Submissions (19):

Labcorp Genetics (formerly Invitae), Labcorp
Classification: Benign for Ataxia-telangiectasia syndrome. Last evaluated: 2026-01-24. Review status: criteria provided, single submitter. Criteria: Invitae Variant Classification Sherloc (09022015). Collection method: clinical testing. Allele origin: germline.

Center for Genomic Medicine, Rigshospitalet, Copenhagen University Hospital
Classification: Likely benign. Last evaluated: 2025-03-04. Review status: criteria provided, single submitter. Criteria: ACMG Guidelines, 2015. Collection method: clinical testing. Allele origin: germline.

Myriad Genetics, Inc.
Classification: Benign for Familial cancer of breast. Last evaluated: 2024-06-20. Review status: criteria provided, single submitter. Criteria: Myriad Autosomal Dominant, Autosomal Recessive and X-Linked Classification Criteria (2023). Collection method: clinical testing. Allele origin: unknown.
Comment: This variant is considered benign. This variant is a silent/synonymous amino acid change and it is not expected to impact splicing.

Athena Diagnostics
Classification: Benign. Last evaluated: 2024-04-17. Review status: criteria provided, single submitter. Criteria: Athena Diagnostics Criteria. Collection method: clinical testing. Allele origin: unknown.

KCCC/NGS Laboratory, Kuwait Cancer Control Center
Classification: Benign for Familial cancer of breast. Last evaluated: 2023-07-07. Review status: criteria provided, single submitter. Criteria: ACMG Guidelines, 2015. Collection method: clinical testing. Allele origin: germline. Affected: yes.

National Health Laboratory Service, Universitas Academic Hospital and University of the Free State
Classification: Likely benign for Hereditary breast ovarian cancer syndrome. Last evaluated: 2022-04-19. Review status: criteria provided, single submitter. Criteria: ACMG Guidelines, 2015. Collection method: clinical testing. Allele origin: germline. Affected: yes. Observed: 1 variant allele.

Sema4
Classification: Benign for Hereditary cancer-predisposing syndrome. Last evaluated: 2021-12-08. Review status: criteria provided, single submitter. Criteria: Sema4 Curation Guidelines. Collection method: curation. Allele origin: germline.

Blueprint Genetics
Classification: Likely benign. Last evaluated: 2021-11-08. Review status: criteria provided, single submitter. Criteria: ACMG Guidelines, 2015. Collection method: clinical testing. Allele origin: germline.

CHEO Genetics Diagnostic Laboratory, Children's Hospital of Eastern Ontario
Classification: Likely benign for Breast and/or ovarian cancer. Last evaluated: 2021-06-16. Review status: criteria provided, single submitter. Criteria: ACMG Guidelines, 2015. Collection method: clinical testing. Allele origin: germline.

Women's Health and Genetics/Laboratory Corporation of America, LabCorp
Classification: Likely benign. Last evaluated: 2019-10-26. Review status: criteria provided, single submitter. Criteria: LabCorp Variant Classification Summary - May 2015. Collection method: clinical testing. Allele origin: germline.

PreventionGenetics, part of Exact Sciences
Classification: Benign. Last evaluated: 2017-05-15. Review status: criteria provided, single submitter. Criteria: ACMG Guidelines, 2015. Collection method: clinical testing. Allele origin: germline.

GeneDx
Classification: Benign. Last evaluated: 2015-08-14. Review status: criteria provided, single submitter. Criteria: GeneDx Variant Classification (06012015). Collection method: clinical testing. Allele origin: germline. Affected: yes.
Comment: This variant is considered likely benign or benign based on one or more of the following criteria: it is a conservative change, it occurs at a poorly conserved position in the protein, it is predicted to be benign by multiple in silico algorithms, and/or has population frequency not consistent with disease.

Color Diagnostics, LLC DBA Color Health
Classification: Likely benign for Hereditary cancer-predisposing syndrome. Last evaluated: 2015-07-27. Review status: criteria provided, single submitter. Criteria: ACMG Guidelines, 2015. Collection method: clinical testing. Allele origin: germline.

Ambry Genetics
Classification: Likely benign for Hereditary cancer-predisposing syndrome. Last evaluated: 2014-10-24. Review status: criteria provided, single submitter. Criteria: Ambry Variant Classification Scheme 2023. Collection method: clinical testing. Allele origin: germline.

Clinical Genetics DNA and cytogenetics Diagnostics Lab, Erasmus MC, Erasmus Medical Center
Classification: Likely benign. Review status: no assertion criteria provided. Collection method: clinical testing. Allele origin: germline. Affected: yes. Study: VKGL Data-share Consensus. Not counted in ClinVar's aggregate classification.

Department of Pathology and Laboratory Medicine, Sinai Health System
Classification: Likely benign for Malignant tumor of breast. Review status: no assertion criteria provided. Collection method: clinical testing. Allele origin: unknown. Affected: yes. Study: The Canadian Open Genetics Repository (COGR). Not counted in ClinVar's aggregate classification.
Comment: The ATM p.Leu2910= variant was not identified in the literature nor was it identified in the GeneInsight-COGR, Cosmic, MutDB, LOVD 3.0, or in ATM-LOVD databases. The variant was identified in dbSNP (ID: rs551041839) as "With Likely benign allele", ClinVar (classified as benign by Invitae, GeneDx; as likely benign by Ambry Genetics, Color Genomics, Integrated Genetics/Laboratory Corporation of America), and Clinvitae databases. The variant was identified in control databases in 153 of 246230 chromosomes (1 homozygous) at a frequency of 0.001 increasing the likelihood this could be a low frequency benign variant (Genome Aggregation Database Feb 27, 2017). Breakdown of the observations by population include South Asian in 151 of 30782 chromosomes (freq: 0.004905), and Ashkenazi Jewish in 2 of 9848 chromosomes (freq: 0.0002) while the variant was not observed in the African, Other, Latino, European, East Asian, or Finnish populations. The p.Leu2910= variant is not expected to have clinical significance because it does not result in a change of amino acid and is not located in a known consensus splice site. In addition, in silico or computational prediction software programs (SpliceSiteFinder, MaxEntScan, NNSPLICE, GeneSplicer, HumanSpliceFinder) do not predict a difference in splicing. In summary, based on the above information the clinical significance of this variant cannot be determined with certainty at this time although we would lean towards a more benign role for this variant. This variant is classified as likely benign.

Genome Diagnostics Laboratory, Amsterdam University Medical Center
Classification: Benign. Review status: no assertion criteria provided. Collection method: clinical testing. Allele origin: germline. Affected: yes. Study: VKGL Data-share Consensus. Not counted in ClinVar's aggregate classification.

Joint Genome Diagnostic Labs from Nijmegen and Maastricht, Radboudumc and MUMC+
Classification: Likely benign. Review status: no assertion criteria provided. Collection method: clinical testing. Allele origin: germline. Affected: yes. Study: VKGL Data-share Consensus. Not counted in ClinVar's aggregate classification.

Laboratory of Diagnostic Genome Analysis, Leiden University Medical Center (LUMC)
Classification: Likely benign. Review status: no assertion criteria provided. Collection method: clinical testing. Allele origin: germline. Affected: yes. Study: VKGL Data-share Consensus. Not counted in ClinVar's aggregate classification.

Literature cited by the submitters: PubMed 28569743 (cited by Athena Diagnostics).